The following is an entry in ClinVar:

ClinVar aggregate classification (germline): Pathogenic. Review status: criteria provided, multiple submitters, no conflicts (2 of 4 stars). 2 submissions from 2 submitters: Pathogenic (2). Last evaluated 2025-04-08.

Conditions:
ATP6V0A4-related disorder. Also called: ATP6V0A4-related condition.

Allele frequency attached by ClinVar (database versions not stated): ExAC 0.00001; gnomAD exomes 0.00001 and 0.00003; gnomAD 0.00012 and 0.00014.

Submissions (2):

PreventionGenetics, part of Exact Sciences
Classification: Pathogenic for ATP6V0A4-related condition. Last evaluated: 2025-04-08. Review status: criteria provided, single submitter. Criteria: ACMG Guidelines, 2015. Collection method: clinical testing. Allele origin: germline.
Comment: The ATP6V0A4 c.154_157delGTGA variant is predicted to result in a frameshift and premature protein termination (p.Val52Metfs*25). This variant has been reported in individuals with distal renal tubular acidosis (see for example, Table 2 in Escobar et al. 2016. PubMed ID: 27247958). This variant is reported in 0.017% of alleles in individuals of Latino descent in gnomAD. Frameshift variants in ATP6V0A4 are expected to be pathogenic. This variant is interpreted as pathogenic.

Labcorp Genetics (formerly Invitae), Labcorp
Classification: Pathogenic. Last evaluated: 2021-04-27. Review status: criteria provided, single submitter. Criteria: Invitae Variant Classification Sherloc (09022015). Collection method: clinical testing. Allele origin: germline.
Comment: This sequence change creates a premature translational stop signal (p.Val52Metfs*25) in the ATP6V0A4 gene. It is expected to result in an absent or disrupted protein product. This variant is present in population databases (rs748968589, ExAC 0.002%). This variant has been observed in individual(s) with distal renal tubular acidosis (PMID: 27247958). Loss-of-function variants in ATP6V0A4 are known to be pathogenic (PMID: 12414817, 16611712). For these reasons, this variant has been classified as Pathogenic.

Literature cited by the submitters: PubMed 27247958 (cited by Labcorp Genetics (formerly Invitae), Labcorp); PubMed 12414817 (cited by Labcorp Genetics (formerly Invitae), Labcorp); PubMed 16611712 (cited by Labcorp Genetics (formerly Invitae), Labcorp).

NM_020632.3(ATP6V0A4):c.154_157del (p.Val52fs)

Gene: ATP6V0A4 (ATPase H+ transporting V0 subunit a4; minus strand). Cytogenetic location: 7q34.
Variant type: Deletion.
Coding change: c.154_157del on transcript NM_020632.3 (MANE Select); coding-DNA positions 154 to 157, 4 bases deleted (GTGA; older notation c.154_157delGTGA).
Protein change: p.Val52fs; shifts the reading frame from valine 52.
Molecular consequence: frameshift variant.
Genome position (GRCh38, 1-based): chr7:138,769,212-138,769,215, TCAC deleted on the plus strand (GTGA on the coding strand, the reverse complement: ATP6V0A4 is on the minus strand). VCF-style (leftmost placement, unchanged base first): chr7-138769211-TTCAC-T. GRCh37 (hg19) VCF-style: chr7-138453956-TTCAC-T.
Other names: c.154_157delGTGA (NM_020632.2); c.154_157del, p.Val52fs (NM_130840.3, NM_130841.3); short protein forms V52fs.
Identifiers: ClinVar variation 1074131 (VCV001074131.10), dbSNP rs748968589, ClinGen allele CA4505229.